The following is an entry in ClinVar:

ClinVar aggregate classification (germline): Uncertain significance (1 of 4 stars; one submission).

Conditions:
Hereditary cancer-predisposing syndrome. Also called: Hereditary neoplastic syndrome; Tumor predisposition; Hereditary Cancer Syndrome; Neoplastic Syndromes, Hereditary. Identifiers: Orphanet 140162, MedGen C0027672, MeSH D009386, MONDO:0015356.

Submission:

Ambry Genetics
Classification: Uncertain significance for Hereditary cancer-predisposing syndrome. Last evaluated: 2023-06-25. Review status: criteria provided, single submitter. Criteria: Ambry Variant Classification Scheme 2023. Collection method: clinical testing. Allele origin: germline.
Comment: The p.Q1387H variant (also known as c.4161A>C), located in coding exon 21 of the BLM gene, results from an A to C substitution at nucleotide position 4161. The glutamine at codon 1387 is replaced by histidine, an amino acid with highly similar properties. This amino acid position is conserved. In addition, this alteration is predicted to be tolerated by in silico analysis. Since supporting evidence is limited at this time, the clinical significance of this alteration remains unclear.

NM_000057.4(BLM):c.4161A>C (p.Gln1387His)

Gene: BLM (BLM RecQ like helicase; plus strand). Cytogenetic location: 15q26.1.
Variant type: single nucleotide variant.
Coding change: c.4161A>C on transcript NM_000057.4 (MANE Select); coding-DNA position 4161, A replaced by C.
Protein change: p.Gln1387His; replaces glutamine 1387 with histidine.
Molecular consequence: missense variant.
Genome position (GRCh38, 1-based): chr15:90,815,186, A>C. VCF-style: chr15-90815186-A-C. GRCh37 (hg19) VCF-style: chr15-91358416-A-C.
Other names: c.4161A>C, p.Gln1387His (NM_001287246.2); c.3768A>C, p.Gln1256His (NM_001287247.2); c.3036A>C, p.Gln1012His (NM_001287248.2); short protein forms Q1387H, Q1012H, Q1256H.
Identifiers: ClinVar variation 2586869 (VCV002586869.2), dbSNP rs2505575522, ClinGen allele CA393852404.